The following is an entry in ClinVar:

NM_018341.3(ERMARD):c.1589T>C (p.Leu530Pro)

Gene: ERMARD (ER membrane associated RNA degradation; plus strand). Cytogenetic location: 6q27.
Variant type: single nucleotide variant.
Coding change: c.1589T>C on transcript NM_018341.3 (MANE Select); coding-DNA position 1589, T replaced by C.
Protein change: p.Leu530Pro; replaces leucine 530 with proline.
Molecular consequence: missense variant. On other transcripts: intron variant (2).
Genome position (GRCh38, 1-based): chr6:169,776,523, T>C. VCF-style: chr6-169776523-T-C. GRCh37 (hg19) VCF-style: chr6-170176619-T-C.
Other names: c.1211T>C, p.Leu404Pro (NM_001278532.2); c.1598+112T>C (NM_001278531.2); c.1520+458T>C (NM_001278533.2); short protein forms L404P, L530P.
Identifiers: ClinVar variation 678368 (VCV000678368.14), dbSNP rs141119961, ClinGen allele CA4106356.

ClinVar aggregate classification (germline): Benign/Likely benign. Review status: criteria provided, multiple submitters, no conflicts (2 of 4 stars). 4 submissions from 4 submitters: Benign (2); Likely benign (1). 1 of the submissions does not count toward it. Last evaluated 2026-01-18.

Conditions:
ERMARD-related disorder. Also called: ERMARD-related condition.

Allele frequency attached by ClinVar (database versions not stated): gnomAD exomes 0.00019 and 0.00051; ExAC 0.00070; gnomAD 0.00182 and 0.00190; TOPMed 0.00201; 1000 Genomes Project 0.00280; 1000 Genomes Project 30x 0.00281; ESP Exome Variant Server 0.00300.
gnomAD v4.1: 579 of 1,614,188 alleles (0.036%); highest among the groups gnomAD compares: African/African-American, 0.61%; 2 homozygotes.

Submissions (4):

Labcorp Genetics (formerly Invitae), Labcorp
Classification: Benign. Last evaluated: 2026-01-18. Review status: criteria provided, single submitter. Criteria: Invitae Variant Classification Sherloc (09022015). Collection method: clinical testing. Allele origin: germline.

Blueprint Genetics
Classification: Likely benign. Last evaluated: 2024-04-12. Review status: criteria provided, single submitter. Criteria: ACMG Guidelines, 2015. Collection method: clinical testing. Allele origin: germline.

GeneDx
Classification: Benign. Last evaluated: 2018-06-04. Review status: criteria provided, single submitter. Criteria: GeneDx Variant Classification (06012015). Collection method: clinical testing. Allele origin: germline. Affected: yes.
Comment: This variant is considered likely benign or benign based on one or more of the following criteria: it is a conservative change, it occurs at a poorly conserved position in the protein, it is predicted to be benign by multiple in silico algorithms, and/or has population frequency not consistent with disease.

PreventionGenetics, part of Exact Sciences
Classification: Benign for ERMARD-related condition. Last evaluated: 2020-06-10. Review status: no assertion criteria provided. Collection method: clinical testing. Allele origin: germline. Not counted in ClinVar's aggregate classification.
Comment: This variant is classified as benign based on ACMG/AMP sequence variant interpretation guidelines (Richards et al. 2015 PMID: 25741868, with internal and published modifications).